The following is an entry in ClinVar:

ClinVar aggregate classification (germline): Uncertain significance. Review status: criteria provided, multiple submitters, no conflicts (2 of 4 stars). 2 submissions from 2 submitters: Uncertain significance (2). Last evaluated 2023-01-27.

Conditions:
Hereditary cancer-predisposing syndrome. Also called: Hereditary neoplastic syndrome; Hereditary Cancer Syndrome; Neoplastic Syndromes, Hereditary; Tumor predisposition. Identifiers: Orphanet 140162, MedGen C0027672, MeSH D009386, MONDO:0015356.
Neuroblastoma, susceptibility to, 3. Also called: ALK-Related Neuroblastic Tumor Susceptibility. Identifiers: Orphanet 635, MedGen C2751681, MONDO:0013083, OMIM 613014.

Submissions (2):

Ambry Genetics
Classification: Uncertain significance for Hereditary cancer-predisposing syndrome. Last evaluated: 2023-01-27. Review status: criteria provided, single submitter. Criteria: Ambry Variant Classification Scheme 2023. Collection method: clinical testing. Allele origin: germline.
Comment: The p.P599S variant (also known as c.1795C>T), located in coding exon 9 of the ALK gene, results from a C to T substitution at nucleotide position 1795. The proline at codon 599 is replaced by serine, an amino acid with similar properties. This amino acid position is conserved. In addition, this alteration is predicted to be tolerated by in silico analysis. Since supporting evidence is limited at this time, the clinical significance of this alteration remains unclear.

Labcorp Genetics (formerly Invitae), Labcorp
Classification: Uncertain significance for Neuroblastoma, susceptibility to, 3. Last evaluated: 2021-08-22. Review status: criteria provided, single submitter. Criteria: Invitae Variant Classification Sherloc (09022015). Collection method: clinical testing. Allele origin: germline.
Comment: This variant is not present in population databases (ExAC no frequency). In summary, the available evidence is currently insufficient to determine the role of this variant in disease. Therefore, it has been classified as a Variant of Uncertain Significance. This variant has not been reported in the literature in individuals with ALK-related conditions. This sequence change replaces proline with serine at codon 599 of the ALK protein (p.Pro599Ser). The proline residue is highly conserved and there is a moderate physicochemical difference between proline and serine. Algorithms developed to predict the effect of missense changes on protein structure and function output the following: SIFT: "Tolerated"; PolyPhen-2: "Benign"; Align-GVGD: "Class C0". The serine amino acid residue is found in multiple mammalian species, suggesting that this missense change does not adversely affect protein function. These predictions have not been confirmed by published functional studies and their clinical significance is uncertain.

NM_004304.5(ALK):c.1795C>T (p.Pro599Ser)

Gene: ALK (ALK receptor tyrosine kinase; minus strand). Cytogenetic location: 2p23.2.
Variant type: single nucleotide variant.
Coding change: c.1795C>T on transcript NM_004304.5 (MANE Select); coding-DNA position 1795, C replaced by T.
Protein change: p.Pro599Ser; replaces proline 599 with serine.
Molecular consequence: missense variant.
Genome position (GRCh38, 1-based): chr2:29,296,910, G>A on the plus strand (C>T on the coding strand, the complement: ALK is on the minus strand). VCF-style: chr2-29296910-G-A. GRCh37 (hg19) VCF-style: chr2-29519776-G-A.
Other names: c.1795C>T (NM_004304.4); short protein forms P599S.
Identifiers: ClinVar variation 1370144 (VCV001370144.9), dbSNP rs2148231018, ClinGen allele CA346465884.